The following is an entry in ClinVar:

NM_003098.3(SNTA1):c.1025C>G (p.Pro342Arg)

Gene: SNTA1 (syntrophin alpha 1; minus strand). Cytogenetic location: 20q11.21.
Variant type: single nucleotide variant.
Coding change: c.1025C>G on transcript NM_003098.3 (MANE Select); coding-DNA position 1025, C replaced by G.
Protein change: p.Pro342Arg; replaces proline 342 with arginine.
Molecular consequence: missense variant.
Genome position (GRCh38, 1-based): chr20:33,412,311, G>C on the plus strand (C>G on the coding strand, the complement: SNTA1 is on the minus strand). VCF-style: chr20-33412311-G-C. GRCh37 (hg19) VCF-style: chr20-32000117-G-C.
Other names: short protein forms P342R.
Identifiers: ClinVar variation 896366 (VCV000896366.5), dbSNP rs1989758393, ClinGen allele CA408631105.

ClinVar aggregate classification (germline): Uncertain significance. Review status: criteria provided, multiple submitters, no conflicts (2 of 4 stars). 2 submissions from 2 submitters: Uncertain significance (2). Last evaluated 2025-05-03.

Conditions:
Cardiovascular phenotype. Identifiers: MedGen CN230736.
Long QT syndrome 12 (LQT12). Identifiers: Orphanet 101016, Orphanet 768, MedGen C2751830, MONDO:0013062, OMIM 612955.

Allele frequency attached by ClinVar (database versions not stated): gnomAD exomes below 0.00001.
gnomAD v4.1: 1 of 1,611,830 alleles (0.000062%); highest among the groups gnomAD compares: Admixed American, 0.0017%; no homozygotes.

Submissions (2):

Ambry Genetics
Classification: Uncertain significance for Cardiovascular phenotype. Last evaluated: 2025-05-03. Review status: criteria provided, single submitter. Criteria: Ambry Variant Classification Scheme 2023. Collection method: clinical testing. Allele origin: germline.
Comment: The p.P342R variant (also known as c.1025C>G), located in coding exon 5 of the SNTA1 gene, results from a C to G substitution at nucleotide position 1025. The proline at codon 342 is replaced by arginine, an amino acid with dissimilar properties. This amino acid position is conserved. In addition, this alteration is predicted to be deleterious by in silico analysis. Based on the available evidence, the clinical significance of this variant remains unclear.

Illumina Laboratory Services, Illumina
Classification: Uncertain significance for Long QT syndrome 12. Last evaluated: 2018-01-12. Review status: criteria provided, single submitter. Criteria: ICSL Variant Classification Criteria 13 December 2019. Collection method: clinical testing. Allele origin: germline.